The following is an entry in ClinVar:

NM_000414.4(HSD17B4):c.*278T>A

Gene: HSD17B4 (hydroxysteroid 17-beta dehydrogenase 4; plus strand). Cytogenetic location: 5q23.1.
Variant type: single nucleotide variant.
Coding change: c.*278T>A on transcript NM_000414.4 (MANE Select); 278 bases downstream of the stop codon, T replaced by A.
Molecular consequence: 3 prime UTR variant.
Genome position (GRCh38, 1-based): chr5:119,542,272, T>A. VCF-style: chr5-119542272-T-A. GRCh37 (hg19) VCF-style: chr5-118877967-T-A.
Other names: c.*278T>A (NM_001199291.3, NM_001199292.2, NM_001292027.2 and 1 more transcripts).
Identifiers: ClinVar variation 350477 (VCV000350477.8), dbSNP rs149665666, ClinGen allele CA10622284.

ClinVar aggregate classification (germline): Conflicting classifications of pathogenicity. Review status: criteria provided, conflicting classifications (1 of 4 stars). 3 submissions from 2 submitters: Uncertain significance (1); Likely benign (2). Last evaluated 2019-02-09.

Conditions:
Bifunctional peroxisomal enzyme deficiency (DBIF). Also called: DBP DEFICIENCY; PBFE DEFICIENCY; D-bifunctional protein deficiency. Identifiers: Orphanet 300, MedGen C0342870, MONDO:0009855, OMIM 261515. Disease mechanism: loss of function.
Perrault syndrome 1 (PRLTS1). Also called: GONADAL DYSGENESIS, XX TYPE, WITH DEAFNESS; OVARIAN DYSGENESIS WITH SENSORINEURAL DEAFNESS. Identifiers: Orphanet 2855, Orphanet 642945, MedGen C4551721, MONDO:0009300, OMIM 233400.

Allele frequency attached by ClinVar (database versions not stated): gnomAD exomes 0.00042; 1000 Genomes Project 0.00280; 1000 Genomes Project 30x 0.00281; gnomAD 0.00309 and 0.00333; TOPMed 0.00326.
gnomAD v4.1: 514 of 284,730 alleles (0.18%); highest among the groups gnomAD compares: African/African-American, 1.1%; 1 homozygote.

Submissions (3):

GeneDx
Classification: Likely benign. Last evaluated: 2019-02-09. Review status: criteria provided, single submitter. Criteria: GeneDx Variant Classification Process June 2021. Collection method: clinical testing. Allele origin: germline. Affected: yes.

Illumina Laboratory Services, Illumina
Classification: Uncertain significance for Bifunctional peroxisomal enzyme deficiency. Last evaluated: 2018-01-12. Review status: criteria provided, single submitter. Criteria: ICSL Variant Classification Criteria 13 December 2019. Collection method: clinical testing. Allele origin: germline.

Illumina Laboratory Services, Illumina
Classification: Likely benign for Perrault syndrome 1. Last evaluated: 2018-01-12. Review status: criteria provided, single submitter. Criteria: ICSL Variant Classification Criteria 13 December 2019. Collection method: clinical testing. Allele origin: germline.
Comment: This variant was observed in the ICSL laboratory as part of a predisposition screen in an ostensibly healthy population. It had not been previously curated by ICSL or reported in the Human Gene Mutation Database (HGMD: prior to June 1st, 2018), and was therefore a candidate for classification through an automated scoring system. Utilizing variant allele frequency, disease prevalence and penetrance estimates, and inheritance mode, an automated score was calculated to assess if this variant is too frequent to cause the disease. Based on the score and internal cut-off values, a variant classified as likely benign is not then subjected to further curation. The score for this variant resulted in a classification of likely benign for this disease.